The following is an entry in ClinVar:

NM_005477.3(HCN4):c.673G>C (p.Gly225Arg)

Gene: HCN4 (hyperpolarization activated cyclic nucleotide gated potassium channel 4; minus strand). Cytogenetic location: 15q24.1.
Variant type: single nucleotide variant.
Coding change: c.673G>C on transcript NM_005477.3 (MANE Select); coding-DNA position 673, G replaced by C.
Protein change: p.Gly225Arg; replaces glycine 225 with arginine.
Molecular consequence: missense variant.
Genome position (GRCh38, 1-based): chr15:73,367,598, C>G on the plus strand (G>C on the coding strand, the complement: HCN4 is on the minus strand). VCF-style: chr15-73367598-C-G. GRCh37 (hg19) VCF-style: chr15-73659939-C-G.
Other names: short protein forms G225R.
Identifiers: ClinVar variation 1505173 (VCV001505173.8), dbSNP rs767982466, ClinGen allele CA393097272.

ClinVar aggregate classification (germline): Uncertain significance (1 of 4 stars; one submission).

Conditions:
Brugada syndrome 8 (BRGDA8). Identifiers: Orphanet 130, MedGen C2751083, MONDO:0013148, OMIM 613123.

gnomAD v4.1: 3 of 1,613,720 alleles (0.00019%); highest among the groups gnomAD compares: South Asian, 0.0033%; no homozygotes.

Submission:

Labcorp Genetics (formerly Invitae), Labcorp
Classification: Uncertain significance for Brugada syndrome 8. Last evaluated: 2021-04-08. Review status: criteria provided, single submitter. Criteria: Invitae Variant Classification Sherloc (09022015). Collection method: clinical testing. Allele origin: germline.
Comment: This sequence change replaces glycine with arginine at codon 225 of the HCN4 protein (p.Gly225Arg). The glycine residue is highly conserved and there is a moderate physicochemical difference between glycine and arginine. In summary, the available evidence is currently insufficient to determine the role of this variant in disease. Therefore, it has been classified as a Variant of Uncertain Significance. Advanced modeling of protein sequence and biophysical properties (such as structural, functional, and spatial information, amino acid conservation, physicochemical variation, residue mobility, and thermodynamic stability) performed at Invitae indicates that this missense variant is not expected to disrupt HCN4 protein function. This variant has not been reported in the literature in individuals with HCN4-related conditions. This variant is not present in population databases (ExAC no frequency).